The following is an entry in ClinVar:

NM_014989.7(RIMS1):c.4045G>T (p.Ala1349Ser)

Gene: RIMS1 (regulating synaptic membrane exocytosis 1; plus strand). Cytogenetic location: 6q13.
Variant type: single nucleotide variant.
Coding change: c.4045G>T on transcript NM_014989.7 (MANE Select); coding-DNA position 4045, G replaced by T.
Protein change: p.Ala1349Ser; replaces alanine 1349 with serine.
Molecular consequence: missense variant. On other transcripts: intron variant (24).
Genome position (GRCh38, 1-based): chr6:72,313,587, G>T. VCF-style: chr6-72313587-G-T. GRCh37 (hg19) VCF-style: chr6-73023290-G-T.
Other names: c.2119G>T, p.Ala707Ser (NM_001350420.2); c.1864G>T, p.Ala622Ser (NM_001350421.2); c.1780G>T, p.Ala594Ser (NM_001350423.2, NM_001350444.2); c.1963G>T, p.Ala655Ser (NM_001350425.2); c.1783G>T, p.Ala595Ser (NM_001350429.2); c.2101G>T, p.Ala701Ser (NM_001350431.2); c.2092G>T, p.Ala698Ser (NM_001350433.2); c.1954G>T, p.Ala652Ser (NM_001350435.2); and 51 more; short protein forms A538S, A639S, A646S, A669S, A671S, A672S, A697S, A575S.
Identifiers: ClinVar variation 4762467 (VCV004762467.1).
Genomic context (GRCh38, chr6:72,313,587, plus strand): 5'-TACAGAAGCTGTGATAACGTCTCTGCCAAATCATCAGATAGTGATGTCAGTGATGTTTCC[G>T]CCATTTCCCGAACCAGCAGTGCCTCACGCCTCAGCAGCACAAGCTTTATGTCAGAGCAAT-3'
Protein context (NP_055804.2, residues 1339-1359): SSDSDVSDVS[Ala1349Ser]ISRTSSASRL

ClinVar aggregate classification (germline): Uncertain significance (1 of 4 stars; one submission).

gnomAD v4.1: 1 of 1,613,650 alleles (0.000062%); highest among the groups gnomAD compares: Non-Finnish European, 0.000085%; no homozygotes.

Submission:

Labcorp Genetics (formerly Invitae), Labcorp
Classification: Uncertain significance. Last evaluated: 2025-08-04. Review status: criteria provided, single submitter. Criteria: Invitae Variant Classification Sherloc (09022015). Collection method: clinical testing. Allele origin: germline.
Comment: This sequence change replaces alanine, which is neutral and non-polar, with serine, which is neutral and polar, at codon 1349 of the RIMS1 protein (p.Ala1349Ser). This variant is not present in population databases (gnomAD no frequency). This variant has not been reported in the literature in individuals affected with RIMS1-related conditions. An algorithm developed to predict the effect of missense changes on protein structure and function (PolyPhen-2) suggests that this variant is likely to be disruptive. In summary, the available evidence is currently insufficient to determine the role of this variant in disease. Therefore, it has been classified as a Variant of Uncertain Significance.